The following is an entry in ClinVar:

NM_022455.5(NSD1):c.5116A>T (p.Asn1706Tyr)

Gene: NSD1 (nuclear receptor binding SET domain protein 1; plus strand). Cytogenetic location: 5q35.3.
Variant type: single nucleotide variant.
Coding change: c.5116A>T on transcript NM_022455.5 (MANE Select); coding-DNA position 5116, A replaced by T.
Protein change: p.Asn1706Tyr; replaces asparagine 1706 with tyrosine.
Molecular consequence: missense variant.
Genome position (GRCh38, 1-based): chr5:177,260,138, A>T. VCF-style: chr5-177260138-A-T. GRCh37 (hg19) VCF-style: chr5-176687139-A-T.
Other names: c.4243A>T, p.Asn1415Tyr (NM_001365684.2, NM_001409308.1, NM_001409309.1 and 1 more transcripts); c.5116A>T, p.Asn1706Tyr (NM_001409301.1, NM_001409302.1, NM_001409303.1); c.4696A>T, p.Asn1566Tyr (NM_001409304.1); c.4363A>T, p.Asn1455Tyr (NM_001409305.1); c.4354A>T, p.Asn1452Tyr (NM_001409306.1, NM_001409307.1); short protein forms N1566Y, N1452Y, N1455Y, N1415Y, N1706Y.
Identifiers: ClinVar variation 4746248 (VCV004746248.1).

ClinVar aggregate classification (germline): Uncertain significance (1 of 4 stars; one submission).

Submission:

Labcorp Genetics (formerly Invitae), Labcorp
Classification: Uncertain significance. Last evaluated: 2025-12-16. Review status: criteria provided, single submitter. Criteria: Invitae Variant Classification Sherloc (09022015). Collection method: clinical testing. Allele origin: germline.
Comment: This sequence change replaces asparagine, which is neutral and polar, with tyrosine, which is neutral and polar, at codon 1706 of the NSD1 protein (p.Asn1706Tyr). This variant is not present in population databases (gnomAD no frequency). This variant has not been reported in the literature in individuals affected with NSD1-related conditions. Invitae Evidence Modeling of protein sequence and biophysical properties (such as structural, functional, and spatial information, amino acid conservation, physicochemical variation, residue mobility, and thermodynamic stability) indicates that this missense variant is expected to disrupt NSD1 protein function with a positive predictive value of 95%. In summary, the available evidence is currently insufficient to determine the role of this variant in disease. Therefore, it has been classified as a Variant of Uncertain Significance.